The following is an entry in ClinVar:

NM_080680.3(COL11A2):c.353G>T (p.Arg118Leu)

Gene: COL11A2 (collagen type XI alpha 2 chain; minus strand). Cytogenetic location: 6p21.32.
Variant type: single nucleotide variant.
Coding change: c.353G>T on transcript NM_080680.3 (MANE Select); coding-DNA position 353, G replaced by T.
Protein change: p.Arg118Leu; replaces arginine 118 with leucine.
Molecular consequence: missense variant.
Genome position (GRCh38, 1-based): chr6:33,189,068, C>A on the plus strand (G>T on the coding strand, the complement: COL11A2 is on the minus strand). VCF-style: chr6-33189068-C-A. GRCh37 (hg19) VCF-style: chr6-33156845-C-A.
Other names: c.353G>T, p.Arg118Leu (NM_001163771.2, NM_080679.3, NM_080681.3); short protein forms R118L.
Identifiers: ClinVar variation 2147020 (VCV002147020.5), dbSNP rs41268014, ClinGen allele CA363612510.

ClinVar aggregate classification (germline): Uncertain significance. Review status: criteria provided, multiple submitters, no conflicts (2 of 4 stars). 2 submissions from 2 submitters: Uncertain significance (2). Last evaluated 2023-07-26.

gnomAD v4.1: 3 of 1,614,162 alleles (0.00019%); highest among the groups gnomAD compares: Admixed American, 0.005%; no homozygotes.

Submissions (2):

Labcorp Genetics (formerly Invitae), Labcorp
Classification: Uncertain significance. Last evaluated: 2023-07-26. Review status: criteria provided, single submitter. Criteria: Invitae Variant Classification Sherloc (09022015). Collection method: clinical testing. Allele origin: germline.
Comment: In summary, the available evidence is currently insufficient to determine the role of this variant in disease. Therefore, it has been classified as a Variant of Uncertain Significance. Advanced modeling of protein sequence and biophysical properties (such as structural, functional, and spatial information, amino acid conservation, physicochemical variation, residue mobility, and thermodynamic stability) performed at Invitae indicates that this missense variant is not expected to disrupt COL11A2 protein function. ClinVar contains an entry for this variant (Variation ID: 2147020). This variant has not been reported in the literature in individuals affected with COL11A2-related conditions. This variant is not present in population databases (gnomAD no frequency). This sequence change replaces arginine, which is basic and polar, with leucine, which is neutral and non-polar, at codon 118 of the COL11A2 protein (p.Arg118Leu).

Blueprint Genetics
Classification: Uncertain significance. Last evaluated: 2023-03-07. Review status: criteria provided, single submitter. Criteria: ACMG Guidelines, 2015. Collection method: clinical testing. Allele origin: germline.